The following is an entry in ClinVar:

NM_152468.5(TMC8):c.568C>T (p.Arg190Ter)

Gene: TMC8 (transmembrane channel like 8; plus strand). Cytogenetic location: 17q25.3.
Variant type: single nucleotide variant.
Coding change: c.568C>T on transcript NM_152468.5 (MANE Select); coding-DNA position 568, C replaced by T.
Protein change: p.Arg190Ter; replaces arginine 190 with a stop codon.
Molecular consequence: nonsense.
Genome position (GRCh38, 1-based): chr17:78,133,442, C>T. VCF-style: chr17-78133442-C-T. GRCh37 (hg19) VCF-style: chr17-76129523-C-T.
Other names: short protein forms R190*.
Identifiers: ClinVar variation 1068639 (VCV001068639.9), dbSNP rs903461633, ClinGen allele CA294360571.
Genomic context (GRCh38, chr17:78,133,442, plus strand): 5'-GGGTATCTTCGTCGCTGTCCCCAGGCCTTCACCAACACCTATCTCTTCTACGGTGCGTAC[C>T]GAGTGGGGCCGGAGAGCAGCTCCGTGTACAGCATCCGCCTGGCCTACCTCCTCAGCCCGC-3'

ClinVar aggregate classification (germline): Pathogenic. Review status: criteria provided, multiple submitters, no conflicts (2 of 4 stars). 2 submissions from 2 submitters: Pathogenic (2). Last evaluated 2026-03-23.

Conditions:
Epidermodysplasia verruciformis. Identifiers: Orphanet 302, MedGen C0014522, MONDO:0009176.

Allele frequency attached by ClinVar (database versions not stated): TOPMed 0.00001; gnomAD 0.00003 and 0.00004; gnomAD exomes below 0.00001.
gnomAD v4.1: 7 of 1,613,670 alleles (0.00043%); highest among the groups gnomAD compares: African/African-American, 0.0067%; no homozygotes.

Submissions (2):

Dasa
Classification: Pathogenic. Last evaluated: 2026-03-23. Review status: criteria provided, single submitter. Criteria: DASA Assertion Criteria. Collection method: clinical testing. Allele origin: germline.
Comment: NM_152468.5(TMC8):c.568C>T (p.Arg190*) introduces a premature termination codon predicted to result in loss of normal protein function. Loss-of-function is an established mechanism of disease for this gene. This variant has been reported in an affected individual with related phenotype in a genotype context consistent with recessive disease (PMID: 16045695). The variant is present at low frequency in population datasets. Based on the available data, this variant is classified as pathogenic.

Labcorp Genetics (formerly Invitae), Labcorp
Classification: Pathogenic for Epidermodysplasia verruciformis. Last evaluated: 2020-01-18. Review status: criteria provided, single submitter. Criteria: Invitae Variant Classification Sherloc (09022015). Collection method: clinical testing. Allele origin: germline.
Comment: This sequence change creates a premature translational stop signal (p.Arg190*) in the TMC8 gene. It is expected to result in an absent or disrupted protein product. This variant is not present in population databases (ExAC no frequency). This variant has been observed in individual(s) with epidermodysplasia verruciformis (PMID: 16045695). Loss-of-function variants in TMC8 are known to be pathogenic (PMID: 12426567, 22158547). For these reasons, this variant has been classified as Pathogenic.

Literature cited by the submitters: PubMed 16045695 (cited by Dasa and Labcorp Genetics (formerly Invitae), Labcorp); PubMed 12426567 (cited by Labcorp Genetics (formerly Invitae), Labcorp); PubMed 22158547 (cited by Labcorp Genetics (formerly Invitae), Labcorp).